The following is an entry in ClinVar:

NM_020159.5(SMARCAD1):c.740G>A (p.Ser247Asn)

Gene: SMARCAD1 (SNF2 related chromatin remodeling ATPase with DExD box 1; plus strand). Cytogenetic location: 4q22.3.
Variant type: single nucleotide variant.
Coding change: c.740G>A on transcript NM_020159.5 (MANE Select); coding-DNA position 740, G replaced by A.
Protein change: p.Ser247Asn; replaces serine 247 with asparagine.
Molecular consequence: missense variant. On other transcripts: non-coding transcript variant (17).
Genome position (GRCh38, 1-based): chr4:94,249,688, G>A. VCF-style: chr4-94249688-G-A. GRCh37 (hg19) VCF-style: chr4-95170839-G-A.
Other names: c.740G>A, p.Ser247Asn (NM_001128429.3, NM_001128430.2, NM_001375855.1 and 2 more transcripts); c.737G>A, p.Ser246Asn (NM_001375857.1); short protein forms S246N, S247N.
Identifiers: ClinVar variation 1286948 (VCV001286948.4), dbSNP rs11722476, ClinGen allele CA3013171.

ClinVar aggregate classification (germline): Benign. Review status: criteria provided, multiple submitters, no conflicts (2 of 4 stars). 5 submissions from 3 submitters: Benign (5). Last evaluated 2021-07-15.

Conditions:
Basan syndrome. Also called: Absence of fingerprints-congenital milia syndrome; ECTODERMAL DYSPLASIA, ABSENT DERMATOGLYPHIC PATTERN, CHANGES IN NAILS, AND SIMIAN CREASE; Absence of fingerprints congenital milia; Absence of dermatoglyphics congenital milia; Baird syndrome. Identifiers: Orphanet 1658, MedGen C0406707, MONDO:0007507, OMIM 129200.
Adermatoglyphia (ADERM). Also called: Isolated congenital adermatoglyphia; FINGERPRINTS, ABSENCE OF. Identifiers: Orphanet 289465, MedGen C1852150, MONDO:0007619, OMIM 136000, HP:0007455.
Keratoderma with scleroatrophy of the extremities (HRZ). Also called: HURIEZ SYNDROME; SCLEROATROPHIC AND KERATOTIC DERMATOSIS OF LIMBS; Palmoplantar keratoderma-sclerodactyly syndrome. Identifiers: Orphanet 384, MedGen C0406767, MONDO:0008416, OMIM 181600.

Allele frequency attached by ClinVar (database versions not stated): ESP Exome Variant Server 0.34036; gnomAD 0.36530 and 0.37886; TOPMed 0.38163; gnomAD exomes 0.42321 and 0.46654; ExAC 0.45597; 1000 Genomes Project 30x 0.45659; 1000 Genomes Project 0.46146.
gnomAD v4.1: 670,968 of 1,602,518 alleles (42%); highest among the groups gnomAD compares: East Asian, 75%; 148,090 homozygotes.

Submissions (5):

Genome-Nilou Lab
Classification: Benign for Adermatoglyphia. Last evaluated: 2021-07-15. Review status: criteria provided, single submitter. Criteria: ACMG Guidelines, 2015. Collection method: clinical testing. Allele origin: germline. Affected: no.

Genome-Nilou Lab
Classification: Benign for Basan syndrome. Last evaluated: 2021-07-15. Review status: criteria provided, single submitter. Criteria: ACMG Guidelines, 2015. Collection method: clinical testing. Allele origin: germline. Affected: no.

Genome-Nilou Lab
Classification: Benign for Keratoderma with scleroatrophy of the extremities. Last evaluated: 2021-07-15. Review status: criteria provided, single submitter. Criteria: ACMG Guidelines, 2015. Collection method: clinical testing. Allele origin: germline. Affected: no.

GeneDx
Classification: Benign. Last evaluated: 2018-11-12. Review status: criteria provided, single submitter. Criteria: GeneDx Variant Classification Process June 2021. Collection method: clinical testing. Allele origin: germline. Affected: yes.
Comment: This variant is associated with the following publications: (PMID: 22864933)

Breakthrough Genomics
Classification: Benign. Review status: criteria provided, single submitter. Criteria: ACMG Guidelines, 2015. Collection method: not provided. Allele origin: germline. Inheritance: Autosomal dominant inheritance. Affected: yes.